The following is an entry in ClinVar:

ClinVar aggregate classification (germline): Conflicting classifications of pathogenicity. Review status: criteria provided, conflicting classifications (1 of 4 stars). 3 submissions from 3 submitters: Uncertain significance (1); Likely benign (2). Last evaluated 2025-11-27.

Conditions:
RASopathy. Also called: rasopathies; Noonan spectrum disorder. Identifiers: Orphanet 536391, MedGen C5555857, MONDO:0021060.

Allele frequency attached by ClinVar (database versions not stated): gnomAD exomes 0.00004; ExAC 0.00008; TOPMed 0.00013; 1000 Genomes Project 30x 0.00016; 1000 Genomes Project 0.00020.
gnomAD v4.1: 42 of 1,604,586 alleles (0.0026%); highest among the groups gnomAD compares: African/African-American, 0.035%; no homozygotes.

Submissions (3):

Labcorp Genetics (formerly Invitae), Labcorp
Classification: Uncertain significance for RASopathy. Last evaluated: 2025-11-27. Review status: criteria provided, single submitter. Criteria: Invitae Variant Classification Sherloc (09022015). Collection method: clinical testing. Allele origin: germline.
Comment: This sequence change replaces arginine, which is basic and polar, with tryptophan, which is neutral and slightly polar, at codon 297 of the MAP2K2 protein (p.Arg297Trp). This variant is present in population databases (rs562352756, gnomAD 0.03%). This variant has not been reported in the literature in individuals affected with MAP2K2-related conditions. ClinVar contains an entry for this variant (Variation ID: 40831). Invitae Evidence Modeling incorporating data from in vitro experimental studies (internal data) indicates that this missense variant is not expected to disrupt MAP2K2 function with a negative predictive value of 95%. In summary, the available evidence is currently insufficient to determine the role of this variant in disease. Therefore, it has been classified as a Variant of Uncertain Significance.

GeneDx
Classification: Likely benign. Last evaluated: 2021-02-18. Review status: criteria provided, single submitter. Criteria: GeneDx Variant Classification Process June 2021. Collection method: clinical testing. Allele origin: germline. Affected: yes.

Women's Health and Genetics/Laboratory Corporation of America, LabCorp
Classification: Likely benign. Last evaluated: 2017-06-26. Review status: criteria provided, single submitter. Criteria: LabCorp Variant Classification Summary - May 2015. Collection method: clinical testing. Allele origin: germline.
Comment: Variant summary: The MAP2K2 c.889C>T (p.Arg297Trp) variant involves the alteration of a conserved nucleotide. 2/4 in silico tools predict a benign outcome for this variant (SNPsandGO not captured due to low reliability index). This variant was found in 6/74848 control chromosomes at a frequency of 0.0000802, which is approximately 32 times the estimated maximal expected allele frequency of a pathogenic MAP2K2 variant (0.0000025), suggesting this variant is likely a benign polymorphism. This variant has been reported in a study cohort of autist patients, but has not to our knowledge been reported in any patients with NSRD. Taken together, this variant is classified as likely benign until more evidence becomes available.

NM_030662.4(MAP2K2):c.889C>T (p.Arg297Trp)

Gene: MAP2K2 (mitogen-activated protein kinase kinase 2; minus strand). Cytogenetic location: 19p13.3.
Variant type: single nucleotide variant.
Coding change: c.889C>T on transcript NM_030662.4 (MANE Select); coding-DNA position 889, C replaced by T.
Protein change: p.Arg297Trp; replaces arginine 297 with tryptophan.
Molecular consequence: missense variant.
Genome position (GRCh38, 1-based): chr19:4,099,231, G>A on the plus strand (C>T on the coding strand, the complement: MAP2K2 is on the minus strand). VCF-style: chr19-4099231-G-A. GRCh37 (hg19) VCF-style: chr19-4099229-G-A.
Other names: short protein forms R297W.
Identifiers: ClinVar variation 40831 (VCV000040831.10), dbSNP rs562352756, ClinGen allele CA9090805.
Genomic context (GRCh38, chr19:4,099,231, plus strand): 5'-CAGACCGGAAGTTGCAGATTCAGGCCGTACCGCTGACGGGGCGCCCGGGGGGCCTCGGCC[G>A]AGGCGAGATGCTGTGAGGCTCTCCTTCTTCCCCGTCGACCACGGGCCGGCCAAAGATGGC-3'
Protein context (NP_109587.1, residues 287-307): EEGEPHSISP[Arg297Trp]PRPPGRPVSG